The following is an entry in ClinVar:

ClinVar aggregate classification (germline): Likely benign. Review status: criteria provided, multiple submitters, no conflicts (2 of 4 stars). 4 submissions from 4 submitters: Likely benign (4). Last evaluated 2026-01-25.

Conditions:
CRB1-related disorder. Also called: CRB1-related condition; CRB1-related disorders.
Retinitis pigmentosa 12 (RP12). Also called: RP WITH OR WITHOUT PRESERVED PARAARTERIOLE RETINAL PIGMENT EPITHELIUM; RETINITIS PIGMENTOSA WITH OR WITHOUT PARAARTERIOLAR PRESERVATION OF RETINAL PIGMENT EPITHELIUM; RP WITH OR WITHOUT PPRPE. Identifiers: Orphanet 791, MedGen C1838647, MONDO:0010818, OMIM 600105.
Leber congenital amaurosis 8 (LCA8). Identifiers: Orphanet 65, MedGen C3151202, MONDO:0013453, OMIM 613835.

Allele frequency attached by ClinVar (database versions not stated): gnomAD exomes 0.00004 and 0.00015; ExAC 0.00023; 1000 Genomes Project 0.00040; gnomAD 0.00044 and 0.00045; 1000 Genomes Project 30x 0.00047; TOPMed 0.00048; ESP Exome Variant Server 0.00077.
gnomAD v4.1: 136 of 1,613,992 alleles (0.0084%); highest among the groups gnomAD compares: African/African-American, 0.16%; 1 homozygote.

Submissions (4):

Labcorp Genetics (formerly Invitae), Labcorp
Classification: Likely benign for Leber congenital amaurosis 8; Retinitis pigmentosa 12. Last evaluated: 2026-01-25. Review status: criteria provided, single submitter. Criteria: Invitae Variant Classification Sherloc (09022015). Collection method: clinical testing. Allele origin: germline.

CeGaT Center for Human Genetics Tuebingen
Classification: Likely benign. Last evaluated: 2026-01-01. Review status: criteria provided, single submitter. Criteria: CeGaT Center For Human Genetics Tuebingen Variant Classification Criteria Version 2. Collection method: clinical testing. Allele origin: germline. Affected: yes. Observed: 1 variant allele.
Comment: CRB1: BP4, BS2

PreventionGenetics, part of Exact Sciences
Classification: Likely benign for CRB1-related condition. Last evaluated: 2025-07-01. Review status: criteria provided, single submitter. Criteria: ACMG Guidelines, 2015. Collection method: clinical testing. Allele origin: germline.
Comment: This variant is classified as likely benign based on ACMG/AMP sequence variant interpretation guidelines (Richards et al. 2015 PMID: 25741868, with internal and published modifications).

Blueprint Genetics
Classification: Likely benign. Last evaluated: 2022-09-26. Review status: criteria provided, single submitter. Criteria: ACMG Guidelines, 2015. Collection method: clinical testing. Allele origin: germline.

NM_201253.3(CRB1):c.2398A>G (p.Ile800Val)

Gene: CRB1 (crumbs cell polarity complex component 1; plus strand). Cytogenetic location: 1q31.3.
Variant type: single nucleotide variant.
Coding change: c.2398A>G on transcript NM_201253.3 (MANE Select); coding-DNA position 2398, A replaced by G.
Protein change: p.Ile800Val; replaces isoleucine 800 with valine.
Molecular consequence: missense variant. On other transcripts: non-coding transcript variant (2), intron variant (1).
Genome position (GRCh38, 1-based): chr1:197,427,723, A>G. VCF-style: chr1-197427723-A-G. GRCh37 (hg19) VCF-style: chr1-197396853-A-G.
Other names: c.2062A>G, p.Ile688Val (NM_001193640.2); c.2191A>G, p.Ile731Val (NM_001257965.2); c.2128+5767A>G (NM_001257966.2); c.2398A>G (NM_201253.2); short protein forms I688V, I731V, I800V.
Identifiers: ClinVar variation 1103941 (VCV001103941.15), dbSNP rs74846670, ClinGen allele CA1312115.